The following is an entry in ClinVar:

ClinVar aggregate classification (germline): Uncertain significance (1 of 4 stars; one submission).

Conditions:
Dilated cardiomyopathy 1G (CMD1G). Identifiers: Orphanet 154, MedGen C1858763, MONDO:0011400, OMIM 604145.
Autosomal recessive limb-girdle muscular dystrophy type 2J (LGMDR10). Also called: Limb-girdle muscular dystrophy, type 2J; MUSCULAR DYSTROPHY, LIMB-GIRDLE, AUTOSOMAL RECESSIVE 10. Identifiers: Orphanet 140922, MedGen C1837342, MONDO:0012127, OMIM 608807.

Allele frequency attached by ClinVar (database versions not stated): gnomAD exomes below 0.00001; TOPMed below 0.00001.

Submission:

Labcorp Genetics (formerly Invitae), Labcorp
Classification: Uncertain significance for Dilated cardiomyopathy 1G; Autosomal recessive limb-girdle muscular dystrophy type 2J. Last evaluated: 2021-08-20. Review status: criteria provided, single submitter. Criteria: Invitae Variant Classification Sherloc (09022015). Collection method: clinical testing. Allele origin: germline.
Comment: This sequence change falls in intron 83 of the TTN gene. It does not directly change the encoded amino acid sequence of the TTN protein. It affects a nucleotide within the consensus splice site of the intron. This variant is not present in population databases (ExAC no frequency). This variant has not been reported in the literature in individuals affected with TTN-related conditions. Variants that disrupt the consensus splice site are a relatively common cause of aberrant splicing (PMID: 17576681, 9536098). Algorithms developed to predict the effect of sequence changes on RNA splicing suggest that this variant may disrupt the consensus splice site. This variant is located in the I band of TTN (PMID: 25589632). Variants in this region may be clinically relevant, but have not been definitively shown to cause cardiomyopathy or neuromuscular disease (PMID: 27493940, 32778822). In summary, the available evidence is currently insufficient to determine the role of this variant in disease. Therefore, it has been classified as a Variant of Uncertain Significance.

Literature cited by the submitters: PubMed 17576681; PubMed 9536098; PubMed 25589632; PubMed 27493940; PubMed 32778822.

NM_001267550.2(TTN):c.24226+5G>T

Gene: TTN (titin; minus strand). Cytogenetic location: 2q31.2.
Variant type: single nucleotide variant.
Coding change: c.24226+5G>T on transcript NM_001267550.2 (MANE Select); 5 bases into the intron after coding-DNA position 24226, G replaced by T.
Molecular consequence: intron variant.
Genome position (GRCh38, 1-based): chr2:178,719,159, C>A on the plus strand (G>T on the coding strand, the complement: TTN is on the minus strand). VCF-style: chr2-178719159-C-A. GRCh37 (hg19) VCF-style: chr2-179583886-C-A.
Other names: c.13282+18923G>T (NM_003319.4); c.13858+18923G>T (NM_133437.4); c.13657+18923G>T (NM_133432.3); c.20494+5G>T (NM_133378.4); c.23275+5G>T (NM_001256850.1).
Identifiers: ClinVar variation 1041987 (VCV001041987.6), dbSNP rs2077956888, ClinGen allele CA1310592706.
Genomic context (GRCh38, chr2:178,719,159, plus strand): 5'-GGCAGGCACCACGTCCACATGAAAGAGGTGTTAGAGAAGCAGCAGCTTTATCCTTGCACA[C>A]TGACCTTGCACAGTCAGGACTGCTGAGCACTCATCGGAACCAGCTACATTGGCAGCCACA-3'